The following is an entry in ClinVar:

ClinVar aggregate classification (germline): Likely pathogenic (1 of 4 stars; one submission).

Conditions:
Sensorineural hearing loss disorder. Also called: Sensorineural Deafness; Sensorineural hearing loss; Sensorineural hearing impairment. Identifiers: MedGen C0018784, MeSH D006319, MONDO:0020678, HP:0000407.

Submission:

Kunming Children's Hospital, Yunnan Key Laboratory of Children’s Major Disease Research
Classification: Likely pathogenic for Sensorineural hearing loss disorder. Last evaluated: 2025-11-22. Review status: criteria provided, single submitter. Criteria: ACMG Guidelines, 2015. Collection method: clinical testing. Allele origin: germline. Inheritance: Autosomal recessive inheritance. Affected: yes. Observed: 1 homozygote.
Comment: The FOXI1 c.638G>T (p.Arg213Leu) variant is classified as Likely pathogenic by our laboratory using ACMG/AMP guidelines. Evidence includes: PM2_Supporting: the variant is absent in large population databases. PM5: a different missense change at the same codon has been reported as pathogenic. PP3 (Moderate): multiple in silico prediction tools (REVEL, SIFT, PolyPhen-2, MutationTaster, GERP++) predict a deleterious effect. Given the conservation, in silico support, segregation, and rarity, we consider this variant very likely to be disease-causing in the context of autosomal recessive EVA-related deafness.

NM_012188.5(FOXI1):c.638G>T (p.Arg213Leu)

Gene: FOXI1 (forkhead box I1; plus strand). Cytogenetic location: 5q35.1.
Variant type: single nucleotide variant.
Coding change: c.638G>T on transcript NM_012188.5 (MANE Select); coding-DNA position 638, G replaced by T.
Protein change: p.Arg213Leu; replaces arginine 213 with leucine.
Molecular consequence: missense variant. On other transcripts: intron variant (1).
Genome position (GRCh38, 1-based): chr5:170,108,112, G>T. VCF-style: chr5-170108112-G-T. GRCh37 (hg19) VCF-style: chr5-169535116-G-T.
Other names: c.575-222G>T (NM_144769.4); short protein forms R213L.
Identifiers: ClinVar variation 4532242 (VCV004532242.1).
Genomic context (GRCh38, chr5:170,108,112, plus strand): 5'-AAGGGAATTACTGGACCCTGGACCCCAACTGTGAGAAAATGTTCGACAATGGAAATTTCC[G>T]CAGGAAAAGGAAGAGAAAATCAGATGTTTCCTCTAGCACAGCCTCCTTGGCCTTAGAGAA-3'
Protein context (NP_036320.2, residues 203-223): CEKMFDNGNF[Arg213Leu]RKRKRKSDVS